The following is an entry in ClinVar:

ClinVar aggregate classification (germline): Uncertain significance (1 of 4 stars; one submission).

Conditions:
Primary ciliary dyskinesia. Also called: Ciliary dyskinesia. Identifiers: Orphanet 244, MedGen C0008780, MONDO:0016575, HP:0012265.

Submission:

Labcorp Genetics (formerly Invitae), Labcorp
Classification: Uncertain significance for Primary ciliary dyskinesia. Last evaluated: 2024-03-15. Review status: criteria provided, single submitter. Criteria: Invitae Variant Classification Sherloc (09022015). Collection method: clinical testing. Allele origin: germline.
Comment: This variant, c.2847_2856delinsGGAT, is a complex sequence change that results in the deletion of 3 and insertion of 1 amino acid(s) in the RPGR (ORF15) protein (p.Glu950_Glu952delinsAsp). Information on the frequency of this variant in the gnomAD database is not available, as this variant may be reported differently in the database. This variant has not been reported in the literature in individuals affected with RPGR (ORF15)-related conditions. Experimental studies and prediction algorithms are not available or were not evaluated, and the functional significance of this variant is currently unknown. In summary, the available evidence is currently insufficient to determine the role of this variant in disease. Therefore, it has been classified as a Variant of Uncertain Significance.

NM_001034853.2(RPGR):c.2847_2856delinsGGAT (p.Glu950_Glu952delinsAsp)

Gene: RPGR (retinitis pigmentosa GTPase regulator; minus strand). Cytogenetic location: Xp11.4.
Variant type: Indel.
Coding change: c.2847_2856delinsGGAT on transcript NM_001034853.2 (MANE Select); coding-DNA positions 2847 to 2856, AGAGGAGGAA replaced by GGAT.
Protein change: p.Glu950_Glu952delinsAsp.
Molecular consequence: inframe indel. On other transcripts: intron variant (8).
Genome position (GRCh38, 1-based): chrX:38,286,143-38,286,152, TTCCTCCTCT replaced by ATCC on the plus strand (AGAGGAGGAA replaced by GGAT on the coding strand, the reverse complement: RPGR is on the minus strand). VCF-style: chrX-38286143-TTCCTCCTCT-ATCC. GRCh37 (hg19) VCF-style: chrX-38145396-TTCCTCCTCT-ATCC.
Other names: c.1569+4807_1569+4816delinsGGAT (NM_001367249.1, NM_001367250.1); c.1902+942_1902+951delinsGGAT (NM_001367245.1); c.1386+4807_1386+4816delinsGGAT (NM_001367251.1); c.1719+942_1719+951delinsGGAT (NM_001367246.1); c.1572+4807_1572+4816delinsGGAT (NM_001367247.1); c.1905+942_1905+951delinsGGAT (NM_000328.3); c.1602+4807_1602+4816delinsGGAT (NM_001367248.1).
Identifiers: ClinVar variation 1933014 (VCV001933014.5), dbSNP rs2519785985, ClinGen allele CA2580100840.